The following is an entry in ClinVar:

NM_000384.3(APOB):c.5643G>T (p.Met1881Ile)

Gene: APOB (apolipoprotein B; minus strand). Cytogenetic location: 2p24.1.
Variant type: single nucleotide variant.
Coding change: c.5643G>T on transcript NM_000384.3 (MANE Select); coding-DNA position 5643, G replaced by T.
Protein change: p.Met1881Ile; replaces methionine 1881 with isoleucine.
Molecular consequence: missense variant.
Genome position (GRCh38, 1-based): chr2:21,011,225, C>A on the plus strand (G>T on the coding strand, the complement: APOB is on the minus strand). VCF-style: chr2-21011225-C-A. GRCh37 (hg19) VCF-style: chr2-21234097-C-A.
Other names: short protein forms M1881I.
Identifiers: ClinVar variation 3381357 (VCV003381357.2).

ClinVar aggregate classification (germline): Uncertain significance. Review status: criteria provided, multiple submitters, no conflicts (2 of 4 stars). 2 submissions from 2 submitters: Uncertain significance (2). Last evaluated 2026-07-08.

Conditions:
Familial hypercholesterolemia. Also called: Familial hypercholesterolemias; Familial hypercholesterolaemia. Identifiers: MedGen C0020445, MONDO:0005439.

Submissions (2):

Cambridge Genomics Laboratory, East Genomic Laboratory Hub, NHS Genomic Medicine Service
Classification: Uncertain significance for Familial hypercholesterolaemia. Last evaluated: 2026-07-08. Review status: criteria provided, single submitter. Criteria: ACGS Best Practice Guidelines for Variant Classification in Rare Disease 2020. Collection method: clinical testing. Allele origin: germline. Affected: yes.
Comment: PM2_Supporting

GeneDx
Classification: Uncertain significance. Last evaluated: 2024-05-24. Review status: criteria provided, single submitter. Criteria: GeneDx Variant Classification Process June 2021. Collection method: clinical testing. Allele origin: germline. Affected: yes.
Comment: Not observed at significant frequency in large population cohorts (gnomAD); In silico analysis indicates that this missense variant does not alter protein structure/function; Has not been previously published as pathogenic or benign to our knowledge